The following is an entry in ClinVar:

NM_032608.7(MYO18B):c.6820G>A (p.Asp2274Asn)

Gene: MYO18B (myosin XVIIIB; plus strand). Cytogenetic location: 22q12.1.
Variant type: single nucleotide variant.
Coding change: c.6820G>A on transcript NM_032608.7 (MANE Select); coding-DNA position 6820, G replaced by A.
Protein change: p.Asp2274Asn; replaces aspartic acid 2274 with asparagine.
Molecular consequence: missense variant.
Genome position (GRCh38, 1-based): chr22:26,026,794, G>A. VCF-style: chr22-26026794-G-A. GRCh37 (hg19) VCF-style: chr22-26422760-G-A.
Other names: c.6823G>A, p.Asp2275Asn (NM_001318245.2); short protein forms D2274N, D2275N.
Identifiers: ClinVar variation 1956966 (VCV001956966.5), dbSNP rs371805086, ClinGen allele CA10161619.
Genomic context (GRCh38, chr22:26,026,794, plus strand): 5'-GTGGAAGGGCTCCGGAGGAAGAGAGCCCAGAGAGGCCAGGGGTCCACGCTGGGCCTAGAG[G>A]ACTGGCCCACTCTCCCCATTTACCAGACGACTGGGGCCTCCACACTAAGGAGGGGCAGGG-3'
Protein context (NP_115997.5, residues 2264-2284): RGQGSTLGLE[Asp2274Asn]WPTLPIYQTT

ClinVar aggregate classification (germline): Uncertain significance (1 of 4 stars; one submission).

Allele frequency attached by ClinVar (database versions not stated): ExAC 0.00001; gnomAD 0.00001; TOPMed 0.00001; ESP Exome Variant Server 0.00008.
gnomAD v4.1: 1 of 1,602,252 alleles (0.000062%); highest among the groups gnomAD compares: African/African-American, 0.0013%; no homozygotes.

Submission:

Labcorp Genetics (formerly Invitae), Labcorp
Classification: Uncertain significance. Last evaluated: 2022-08-22. Review status: criteria provided, single submitter. Criteria: Invitae Variant Classification Sherloc (09022015). Collection method: clinical testing. Allele origin: germline.
Comment: In summary, the available evidence is currently insufficient to determine the role of this variant in disease. Therefore, it has been classified as a Variant of Uncertain Significance. This sequence change replaces aspartic acid, which is acidic and polar, with asparagine, which is neutral and polar, at codon 2274 of the MYO18B protein (p.Asp2274Asn). This variant is present in population databases (rs371805086, gnomAD 0.008%). This variant has not been reported in the literature in individuals affected with MYO18B-related conditions. Algorithms developed to predict the effect of missense changes on protein structure and function are either unavailable or do not agree on the potential impact of this missense change (SIFT: "Not Available"; PolyPhen-2: "Probably Damaging"; Align-GVGD: "Not Available").